The following is an entry in ClinVar:

ClinVar aggregate classification (germline): Uncertain significance. Review status: criteria provided, multiple submitters, no conflicts (2 of 4 stars). 2 submissions from 2 submitters: Uncertain significance (2). Last evaluated 2023-07-27.

Conditions:
Cardiovascular phenotype. Identifiers: MedGen CN230736.

Allele frequency attached by ClinVar (database versions not stated): gnomAD exomes below 0.00001; TOPMed 0.00001; gnomAD 0.00003.
gnomAD v4.1: 7 of 1,587,462 alleles (0.00044%); highest among the groups gnomAD compares: African/African-American, 0.0094%; no homozygotes.

Submissions (2):

GeneDx
Classification: Uncertain significance. Last evaluated: 2023-07-27. Review status: criteria provided, single submitter. Criteria: GeneDx Variant Classification Process June 2021. Collection method: clinical testing. Allele origin: germline. Affected: yes.
Comment: Not observed at significant frequency in large population cohorts (gnomAD); In silico analysis supports that this missense variant has a deleterious effect on protein structure/function; Has not been previously published as pathogenic or benign to our knowledge

Ambry Genetics
Classification: Uncertain significance for Cardiovascular phenotype. Last evaluated: 2019-09-03. Review status: criteria provided, single submitter. Criteria: Ambry Variant Classification Scheme 2023. Collection method: clinical testing. Allele origin: germline.
Comment: The p.A97T variant (also known as c.289G>A), located in coding exon 1 of the TNXB gene, results from a G to A substitution at nucleotide position 289. The alanine at codon 97 is replaced by threonine, an amino acid with similar properties. This amino acid position is well conserved in available vertebrate species. In addition, the in silico prediction for this alteration is inconclusive. Since supporting evidence is limited at this time, the clinical significance of this alteration remains unclear.

NM_001365276.2(TNXB):c.289G>A (p.Ala97Thr)

Gene: TNXB (tenascin XB; minus strand). Cytogenetic location: 6p21.33.
Variant type: single nucleotide variant.
Coding change: c.289G>A on transcript NM_001365276.2 (MANE Select); coding-DNA position 289, G replaced by A.
Protein change: p.Ala97Thr; replaces alanine 97 with threonine.
Molecular consequence: missense variant.
Genome position (GRCh38, 1-based): chr6:32,097,910, C>T on the plus strand (G>A on the coding strand, the complement: TNXB is on the minus strand). VCF-style: chr6-32097910-C-T. GRCh37 (hg19) VCF-style: chr6-32065687-C-T.
Other names: c.289G>A, p.Ala97Thr (NM_019105.8); short protein forms A97T.
Identifiers: ClinVar variation 1797399 (VCV001797399.3), dbSNP rs1024919515, ClinGen allele CA136908394.
Genomic context (GRCh38, chr6:32,097,910, plus strand): 5'-GCCCCTTCACCAACTCCTCCAGGATCTCTAGACGGACCCTCAGGGCCTGTACCTCTGAAG[C>T]AAGGACTGGGGGCTCGGTGCCTGGGGGACAGCCACAGCCAGTGGAAGGGGGCAGGTTAAT-3'
Protein context (NP_001352205.1, residues 87-107): CPPGTEPPVL[Ala97Thr]SEVQALRVRL